The following is an entry in ClinVar:

NM_001271.4(CHD2):c.835G>A (p.Ala279Thr)

Gene: CHD2 (chromodomain helicase DNA binding protein 2; plus strand). Cytogenetic location: 15q26.1.
Variant type: single nucleotide variant.
Coding change: c.835G>A on transcript NM_001271.4 (MANE Select); coding-DNA position 835, G replaced by A.
Protein change: p.Ala279Thr; replaces alanine 279 with threonine.
Molecular consequence: missense variant.
Genome position (GRCh38, 1-based): chr15:92,942,851, G>A. VCF-style: chr15-92942851-G-A. GRCh37 (hg19) VCF-style: chr15-93486081-G-A.
Other names: c.835G>A, p.Ala279Thr (NM_001042572.3); short protein forms A279T.
Identifiers: ClinVar variation 581810 (VCV000581810.12), dbSNP rs1313540517, ClinGen allele CA393901261.

ClinVar aggregate classification (germline): Uncertain significance (1 of 4 stars; one submission).

Conditions:
Developmental and epileptic encephalopathy 94 (DEE94). Also called: CHD2-Related Neurodevelopmental Disorders; Epileptic encephalopathy, childhood-onset. Identifiers: Orphanet 1942, Orphanet 2382, MedGen C3809278, MONDO:0014150, OMIM 615369.

Allele frequency attached by ClinVar (database versions not stated): gnomAD 0.00001; gnomAD exomes 0.00001; TOPMed 0.00001.
gnomAD v4.1: 4 of 1,602,688 alleles (0.00025%); highest among the groups gnomAD compares: African/African-American, 0.0027%; no homozygotes.

Submission:

Labcorp Genetics (formerly Invitae), Labcorp
Classification: Uncertain significance for Developmental and epileptic encephalopathy 94. Last evaluated: 2023-08-10. Review status: criteria provided, single submitter. Criteria: Invitae Variant Classification Sherloc (09022015). Collection method: clinical testing. Allele origin: germline.
Comment: In summary, the available evidence is currently insufficient to determine the role of this variant in disease. Therefore, it has been classified as a Variant of Uncertain Significance. Advanced modeling of protein sequence and biophysical properties (such as structural, functional, and spatial information, amino acid conservation, physicochemical variation, residue mobility, and thermodynamic stability) performed at Invitae indicates that this missense variant is not expected to disrupt CHD2 protein function. ClinVar contains an entry for this variant (Variation ID: 581810). This variant has not been reported in the literature in individuals affected with CHD2-related conditions. This variant is present in population databases (no rsID available, gnomAD 0.007%). This sequence change replaces alanine, which is neutral and non-polar, with threonine, which is neutral and polar, at codon 279 of the CHD2 protein (p.Ala279Thr).